The following is an entry in ClinVar:

ClinVar aggregate classification (germline): Uncertain significance. Review status: criteria provided, multiple submitters, no conflicts (2 of 4 stars). 3 submissions from 3 submitters: Uncertain significance (3). Last evaluated 2026-07-02.

Conditions:
NEK8-related disorder. Also called: NEK8-related condition.
Nephronophthisis 9 (NPHP9). Identifiers: Orphanet 655, MedGen C3151188, MONDO:0013444, OMIM 613824.
Inborn genetic diseases. Identifiers: MedGen C0950123, MeSH D030342.

Allele frequency attached by ClinVar (database versions not stated): gnomAD exomes below 0.00001; TOPMed 0.00001; gnomAD 0.00002.
gnomAD v4.1: 9 of 1,614,034 alleles (0.00056%); highest among the groups gnomAD compares: Non-Finnish European, 0.00059%; no homozygotes.

Submissions (3):

PreventionGenetics, part of Exact Sciences
Classification: Uncertain significance for NEK8-related condition. Last evaluated: 2026-07-02. Review status: criteria provided, single submitter. Criteria: ACMG Guidelines, 2015. Collection method: clinical testing. Allele origin: germline.
Comment: The NEK8 c.898C>T variant is predicted to result in the amino acid substitution p.Arg300Trp. To our knowledge, this variant has not been reported in the literature. This variant is reported in 0.0040% of alleles in individuals of European (Finnish) descent in gnomAD. At this time, the clinical significance of this variant is uncertain due to the absence of conclusive functional and genetic evidence.

Labcorp Genetics (formerly Invitae), Labcorp
Classification: Uncertain significance for Nephronophthisis 9. Last evaluated: 2026-01-21. Review status: criteria provided, single submitter. Criteria: Invitae Variant Classification Sherloc (09022015). Collection method: clinical testing. Allele origin: germline.
Comment: This sequence change replaces arginine, which is basic and polar, with tryptophan, which is neutral and slightly polar, at codon 300 of the NEK8 protein (p.Arg300Trp). This variant is present in population databases (no rsID available, gnomAD 0.004%). This variant has not been reported in the literature in individuals affected with NEK8-related conditions. ClinVar contains an entry for this variant (Variation ID: 2329023). An algorithm developed to predict the effect of missense changes on protein structure and function (PolyPhen-2) suggests that this variant is likely to be tolerated. In summary, the available evidence is currently insufficient to determine the role of this variant in disease. Therefore, it has been classified as a Variant of Uncertain Significance.

Ambry Genetics
Classification: Uncertain significance for Inborn genetic diseases. Last evaluated: 2022-11-22. Review status: criteria provided, single submitter. Criteria: Ambry Variant Classification Scheme 2023. Collection method: clinical testing. Allele origin: germline.

NM_178170.3(NEK8):c.898C>T (p.Arg300Trp)

Gene: NEK8 (NIMA related kinase 8; plus strand). Cytogenetic location: 17q11.2.
Variant type: single nucleotide variant.
Coding change: c.898C>T on transcript NM_178170.3 (MANE Select); coding-DNA position 898, C replaced by T.
Protein change: p.Arg300Trp; replaces arginine 300 with tryptophan.
Molecular consequence: missense variant.
Genome position (GRCh38, 1-based): chr17:28,737,827, C>T. VCF-style: chr17-28737827-C-T. GRCh37 (hg19) VCF-style: chr17-27064845-C-T.
Other names: short protein forms R300W.
Identifiers: ClinVar variation 2329023 (VCV002329023.4), dbSNP rs1021507598, ClinGen allele CA289113811.